The following is an entry in ClinVar:

ClinVar aggregate classification (germline): Pathogenic (1 of 4 stars; one submission).

Conditions:
Autosomal dominant Alport syndrome (ATS3A). Also called: Alport syndrome dominant type; Renal failure and sensorineural hearing loss; ALPORT SYNDROME 3A, AUTOSOMAL DOMINANT. Identifiers: Orphanet 63, Orphanet 88918, MedGen C5882663, MONDO:0007086, OMIM 104200.
Autosomal recessive Alport syndrome (ATS2). Also called: COL4A4 Alport Syndrome and Thin Basement Membrane Nephropathy; ALPORT SYNDROME 2, AUTOSOMAL RECESSIVE; COL4A3-Related Nephropathy; Alport syndrome type 2. Identifiers: Orphanet 63, Orphanet 88919, MedGen C4746745, MONDO:0008762, OMIM 203780.

Submission:

Labcorp Genetics (formerly Invitae), Labcorp
Classification: Pathogenic. Last evaluated: 2022-03-06. Review status: criteria provided, single submitter. Criteria: Invitae Variant Classification Sherloc (09022015). Collection method: clinical testing. Allele origin: germline.
Comment: This variant is not present in population databases (gnomAD no frequency). This sequence change creates a premature translational stop signal (p.Pro1647Hisfs*4) in the COL4A3 gene. While this is not anticipated to result in nonsense mediated decay, it is expected to disrupt the last 24 amino acid(s) of the COL4A3 protein. This variant has not been reported in the literature in individuals affected with COL4A3-related conditions. This variant disrupts a region of the COL4A3 protein in which other variant(s) (p.Arg1661Cys) have been determined to be pathogenic (PMID: 11134255, 24052634, 26809805; Invitae). This suggests that this is a clinically significant region of the protein, and that variants that disrupt it are likely to be disease-causing. For these reasons, this variant has been classified as Pathogenic.

Literature cited by the submitters: PubMed 11134255 (cited by Labcorp Genetics (formerly Invitae), Labcorp); PubMed 24052634 (cited by Labcorp Genetics (formerly Invitae), Labcorp); PubMed 26809805 (cited by Labcorp Genetics (formerly Invitae), Labcorp).

NM_000091.5(COL4A3):c.4938del (p.Pro1647fs)

Genes: MFF-DT (MFF divergent transcript; minus strand), COL4A3 (collagen type IV alpha 3 chain; plus strand). Cytogenetic location: 2q36.3.
Variant type: Deletion.
Coding change: c.4938del on transcript NM_000091.5 (MANE Select); coding-DNA position 4938, one base deleted (T; older notation c.4938delT).
Protein change: p.Pro1647fs; shifts the reading frame from proline 1647.
Molecular consequence: frameshift variant.
Genome position (GRCh38, 1-based): chr2:227,311,795, T deleted; the last of 2 consecutive T bases (chr2:227,311,794-227,311,795); deleting either gives the same sequence. VCF-style (leftmost placement, unchanged base first): chr2-227311793-AT-A. GRCh37 (hg19) VCF-style: chr2-228176509-AT-A.
Other names: c.4938del (NM_000091.4); c.4938delT, p.Pro1647Hisfs (NM_000091.4); short protein forms P1647fs.
Identifiers: ClinVar variation 2103144 (VCV002103144.5), dbSNP rs2469950127, ClinGen allele CA2580065937.